The following is an entry in ClinVar:

NM_203486.3(DLL3):c.559dup (p.Cys187fs)

Genes: DLL3 (delta like canonical Notch ligand 3; plus strand), LOC130064417 (ATAC-STARR-seq lymphoblastoid silent region 10608; plus strand). Cytogenetic location: 19q13.2.
Variant type: Duplication.
Coding change: c.559dup on transcript NM_203486.3 (MANE Select); coding-DNA position 559, one base duplicated (T; older notation c.559dupT).
Protein change: p.Cys187fs; shifts the reading frame from cysteine 187.
Molecular consequence: frameshift variant.
Genome position (GRCh38, 1-based): chr19:39,502,964, T duplicated. VCF-style (leftmost placement, unchanged base first): chr19-39502963-G-GT. GRCh37 (hg19) VCF-style: chr19-39993603-G-GT.
Other names: c.559dup, p.Cys187fs (NM_016941.4); short protein forms C187fs.
Identifiers: ClinVar variation 2720894 (VCV002720894.4), dbSNP rs1264168702, ClinGen allele CA882151568.

ClinVar aggregate classification (germline): Pathogenic (1 of 4 stars; one submission).

Allele frequency attached by ClinVar (database versions not stated): gnomAD 0.00001; TOPMed 0.00002; gnomAD exomes 0.00003.

Submission:

Labcorp Genetics (formerly Invitae), Labcorp
Classification: Pathogenic. Last evaluated: 2024-03-04. Review status: criteria provided, single submitter. Criteria: Invitae Variant Classification Sherloc (09022015). Collection method: clinical testing. Allele origin: germline.
Comment: This sequence change creates a premature translational stop signal (p.Cys187Leufs*29) in the DLL3 gene. It is expected to result in an absent or disrupted protein product. Loss-of-function variants in DLL3 are known to be pathogenic (PMID: 12746394). This variant is not present in population databases (gnomAD no frequency). This variant has not been reported in the literature in individuals affected with DLL3-related conditions. For these reasons, this variant has been classified as Pathogenic.

Literature cited by the submitters: PubMed 12746394.